The following is an entry in ClinVar:

ClinVar aggregate classification (germline): Likely benign. Review status: criteria provided, single submitter (1 of 4 stars). 2 submissions from 2 submitters: Likely benign (1). 1 of the submissions does not count toward it. Last evaluated 2026-01-27.

Conditions:
RPL35-related disorder. Also called: RPL35-related condition.

Allele frequency attached by ClinVar (database versions not stated): gnomAD 0.00102 and 0.00097; gnomAD exomes 0.00120 and 0.00088; ESP Exome Variant Server 0.00192; 1000 Genomes Project 30x 0.00016; 1000 Genomes Project 0.00020; TOPMed 0.00071; ExAC 0.00095.
gnomAD v4.1: 1,867 of 1,612,250 alleles (0.12%); highest among the groups gnomAD compares: Non-Finnish European, 0.14%; 4 homozygotes.

Submissions (2):

Labcorp Genetics (formerly Invitae), Labcorp
Classification: Likely benign. Last evaluated: 2026-01-27. Review status: criteria provided, single submitter. Criteria: Invitae Variant Classification Sherloc (09022015). Collection method: clinical testing. Allele origin: germline.

PreventionGenetics, part of Exact Sciences
Classification: Likely benign for RPL35-related condition. Last evaluated: 2024-07-03. Review status: no assertion criteria provided. Collection method: clinical testing. Allele origin: germline. Not counted in ClinVar's aggregate classification.
Comment: This variant is classified as likely benign based on ACMG/AMP sequence variant interpretation guidelines (Richards et al. 2015 PMID: 25741868, with internal and published modifications).

NM_007209.4(RPL35):c.301A>C (p.Asn101His)

Gene: RPL35 (ribosomal protein L35; minus strand). Cytogenetic location: 9q33.3.
Variant type: single nucleotide variant.
Coding change: c.301A>C on transcript NM_007209.4 (MANE Select); coding-DNA position 301, A replaced by C.
Protein change: p.Asn101His; replaces asparagine 101 with histidine.
Molecular consequence: missense variant.
Genome position (GRCh38, 1-based): chr9:124,857,989, T>G on the plus strand (A>C on the coding strand, the complement: RPL35 is on the minus strand). VCF-style: chr9-124857989-T-G. GRCh37 (hg19) VCF-style: chr9-127620268-T-G.
Other names: short protein forms N101H.
Identifiers: ClinVar variation 731009 (VCV000731009.10), dbSNP rs138696336, ClinGen allele CA5237183.